The following is an entry in ClinVar:

NM_000642.3(AGL):c.87T>C (p.Tyr29=)

Gene: AGL (amylo-alpha-1,6-glucosidase and 4-alpha-glucanotransferase; plus strand). Cytogenetic location: 1p21.2.
Variant type: single nucleotide variant.
Coding change: c.87T>C on transcript NM_000642.3 (MANE Select); coding-DNA position 87, T replaced by C.
Protein change: p.Tyr29=; no amino-acid change (tyrosine 29 retained).
Molecular consequence: synonymous variant.
Genome position (GRCh38, 1-based): chr1:99,861,507, T>C. VCF-style: chr1-99861507-T-C. GRCh37 (hg19) VCF-style: chr1-100327063-T-C.
Other names: c.87T>C, p.Tyr29= (NM_000028.3, NM_000643.3, NM_000644.3 and 5 more transcripts); c.39T>C, p.Tyr13= (NM_000646.3).
Identifiers: ClinVar variation 1136321 (VCV001136321.33), dbSNP rs768278283, ClinGen allele CA966057.
Genomic context (GRCh38, chr1:99,861,507, plus strand): 5'-TCAATGTGGTAATTTAAGTCCTACGATGAGTTTATTAACATGTGCTTTTTATTTAGGGTA[T>C]GAGCTACAGTTCCGATTAGGCCCAACTTTACAGGGAAAAGCAGTTACCGTGTATACAAAT-3'
Protein context (NP_000633.2, residues 19-39): EKTLFRLEQG[Tyr29=]ELQFRLGPTL

ClinVar aggregate classification (germline): Likely benign. Review status: criteria provided, multiple submitters, no conflicts (2 of 4 stars). 2 submissions from 2 submitters: Likely benign (2). Last evaluated 2026-01-25.

Conditions:
Glycogen storage disease type III (GSD3). Also called: FORBES DISEASE; Cori disease. Identifiers: Orphanet 366, MedGen C0017922, MONDO:0009291, OMIM 232400.

Allele frequency attached by ClinVar (database versions not stated): TOPMed 0.00001; ExAC 0.00002; gnomAD 0.00002 and 0.00003; gnomAD exomes 0.00003.
gnomAD v4.1: 43 of 1,613,712 alleles (0.0027%); highest among the groups gnomAD compares: Admixed American, 0.005%; no homozygotes.

Submissions (2):

Labcorp Genetics (formerly Invitae), Labcorp
Classification: Likely benign for Glycogen storage disease type III. Last evaluated: 2026-01-25. Review status: criteria provided, single submitter. Criteria: Invitae Variant Classification Sherloc (09022015). Collection method: clinical testing. Allele origin: germline.

CeGaT Center for Human Genetics Tuebingen
Classification: Likely benign. Last evaluated: 2022-12-01. Review status: criteria provided, single submitter. Criteria: CeGaT Center For Human Genetics Tuebingen Variant Classification Criteria Version 2. Collection method: clinical testing. Allele origin: germline. Affected: yes. Observed: 1 variant allele.
Comment: AGL: BP4, BP7